The following is an entry in ClinVar:

ClinVar aggregate classification (germline): Pathogenic (1 of 4 stars; one submission).

Conditions:
Hereditary cancer-predisposing syndrome. Also called: Neoplastic Syndromes, Hereditary; Tumor predisposition; Hereditary neoplastic syndrome; Hereditary Cancer Syndrome. Identifiers: Orphanet 140162, MedGen C0027672, MeSH D009386, MONDO:0015356.

Submission:

Ambry Genetics
Classification: Pathogenic for Hereditary cancer-predisposing syndrome. Last evaluated: 2023-11-15. Review status: criteria provided, single submitter. Criteria: Ambry Variant Classification Scheme 2023. Collection method: clinical testing. Allele origin: germline.
Comment: The c.5301delA pathogenic mutation, located in coding exon 10 of the BRCA2 gene, results from a deletion of one nucleotide at nucleotide position 5301, causing a translational frameshift with a predicted alternate stop codon (p.K1767Nfs*10). This alteration is expected to result in loss of function by premature protein truncation or nonsense-mediated mRNA decay. As such, this alteration is interpreted as a disease-causing mutation.

NM_000059.4(BRCA2):c.5301del (p.Lys1767fs)

Gene: BRCA2 (BRCA2 DNA repair associated; plus strand). Cytogenetic location: 13q13.1.
Variant type: Deletion.
Coding change: c.5301del on transcript NM_000059.4 (MANE Select); coding-DNA position 5301, one base deleted (A; older notation c.5301delA).
Protein change: p.Lys1767fs; shifts the reading frame from lysine 1767.
Molecular consequence: frameshift variant. On other transcripts: non-coding transcript variant (1), intron variant (2).
Genome position (GRCh38, 1-based): chr13:32,339,656, A deleted; the last of 3 consecutive A bases (chr13:32,339,654-32,339,656); deleting any one gives the same sequence. VCF-style (leftmost placement, unchanged base first): chr13-32339653-TA-T. GRCh37 (hg19) VCF-style: chr13-32913790-TA-T.
Other names: c.5301del, p.Lys1767fs (NM_001406719.1, NM_001406720.1); c.1910-4902del (NM_001406721.1); c.425-4902del (NM_001406722.1); short protein forms K1767fs.
Identifiers: ClinVar variation 3227384 (VCV003227384.1), dbSNP rs2548530423, ClinGen allele CA2825002155.